The following is an entry in ClinVar:

NM_001257180.2(SLC20A2):c.635T>C (p.Met212Thr)

Gene: SLC20A2 (solute carrier family 20 member 2; minus strand). Cytogenetic location: 8p11.21.
Variant type: single nucleotide variant.
Coding change: c.635T>C on transcript NM_001257180.2 (MANE Select); coding-DNA position 635, T replaced by C.
Protein change: p.Met212Thr; replaces methionine 212 with threonine.
Molecular consequence: missense variant.
Genome position (GRCh38, 1-based): chr8:42,444,741, A>G on the plus strand (T>C on the coding strand, the complement: SLC20A2 is on the minus strand). VCF-style: chr8-42444741-A-G. GRCh37 (hg19) VCF-style: chr8-42302259-A-G.
Other names: c.635T>C, p.Met212Thr (NM_001257181.2, NM_006749.5); short protein forms M212T.
Identifiers: ClinVar variation 1397726 (VCV001397726.8), dbSNP rs762865281, ClinGen allele CA4733498.

ClinVar aggregate classification (germline): Uncertain significance (1 of 4 stars; one submission).

Allele frequency attached by ClinVar (database versions not stated): gnomAD exomes below 0.00001; ExAC 0.00001.
gnomAD v4.1: 4 of 1,613,908 alleles (0.00025%); highest among the groups gnomAD compares: Non-Finnish European, 0.00025%; no homozygotes.

Submission:

Labcorp Genetics (formerly Invitae), Labcorp
Classification: Uncertain significance. Last evaluated: 2021-06-30. Review status: criteria provided, single submitter. Criteria: Invitae Variant Classification Sherloc (09022015). Collection method: clinical testing. Allele origin: germline.
Comment: This sequence change replaces methionine with threonine at codon 212 of the SLC20A2 protein (p.Met212Thr). The methionine residue is weakly conserved and there is a moderate physicochemical difference between methionine and threonine. This variant is present in population databases (rs762865281, ExAC 0.002%). This variant has not been reported in the literature in individuals affected with SLC20A2-related conditions. Algorithms developed to predict the effect of missense changes on protein structure and function (SIFT, PolyPhen-2, Align-GVGD) all suggest that this variant is likely to be tolerated. In summary, the available evidence is currently insufficient to determine the role of this variant in disease. Therefore, it has been classified as a Variant of Uncertain Significance.